The following is an entry in ClinVar:

ClinVar aggregate classification (germline): Likely benign. Review status: reviewed by expert panel (3 of 4 stars). 3 submissions from 3 submitters: Likely benign (1). 2 of the submissions do not count toward it. Last evaluated 2017-06-29.

Conditions:
Hereditary cancer-predisposing syndrome. Also called: Tumor predisposition; Hereditary Cancer Syndrome; Hereditary neoplastic syndrome; Neoplastic Syndromes, Hereditary. Identifiers: Orphanet 140162, MedGen C0027672, MeSH D009386, MONDO:0015356.
Hereditary breast ovarian cancer syndrome. Also called: Hereditary breast and ovarian cancer; Breast and ovarian cancer; BRCA1- and BRCA2-Associated Hereditary Breast and Ovarian Cancer; Hereditary breast and ovarian cancer syndrome; Hereditary breast and ovarian cancer syndrome (HBOC); Hereditary breast and/or ovarian cancer syndrome. Identifiers: Orphanet 145, MedGen C0677776, MeSH D061325, MONDO:0003582. Disease mechanism: loss of function.
Breast-ovarian cancer, familial, susceptibility to, 2 (BROVCA2). Also called: BRCA2 Hereditary Breast and Ovarian Cancer. Identifiers: Orphanet 145, MedGen C2675520, MONDO:0012933, OMIM 612555. Disease mechanism: loss of function.

Submissions (3):

Evidence-based Network for the Interpretation of Germline Mutant Alleles (ENIGMA)
Classification: Likely benign for Breast-ovarian cancer, familial, susceptibility to, 2. Last evaluated: 2017-06-29. Review status: reviewed by expert panel. Criteria: ENIGMA BRCA1/2 Classification Criteria (2017-06-29). Collection method: curation. Allele origin: germline.
Comment: Synonymous substitution variant, with low bioinformatic likelihood to result in a splicing aberration (Splicing prior probability 0.02).

Labcorp Genetics (formerly Invitae), Labcorp
Classification: Likely benign for Hereditary breast ovarian cancer syndrome. Last evaluated: 2024-07-19. Review status: criteria provided, single submitter. Criteria: Invitae Variant Classification Sherloc (09022015). Collection method: clinical testing. Allele origin: germline. Not counted in ClinVar's aggregate classification.

Ambry Genetics
Classification: Likely benign for Hereditary cancer-predisposing syndrome. Last evaluated: 2015-09-18. Review status: criteria provided, single submitter. Criteria: Ambry Variant Classification Scheme 2023. Collection method: clinical testing. Allele origin: germline. Not counted in ClinVar's aggregate classification.

NM_000059.4(BRCA2):c.588T>C (p.Ser196=)

Gene: BRCA2 (BRCA2 DNA repair associated; plus strand). Cytogenetic location: 13q13.1.
Variant type: single nucleotide variant.
Coding change: c.588T>C on transcript NM_000059.4 (MANE Select); coding-DNA position 588, T replaced by C.
Protein change: p.Ser196=; no amino-acid change (serine 196 retained).
Molecular consequence: synonymous variant.
Genome position (GRCh38, 1-based): chr13:32,326,570, T>C. VCF-style: chr13-32326570-T-C. GRCh37 (hg19) VCF-style: chr13-32900707-T-C.
Identifiers: ClinVar variation 234013 (VCV000234013.29), dbSNP rs876660795, ClinGen allele CA10579464.